The following is an entry in ClinVar:

ClinVar aggregate classification (germline): Likely benign. Review status: criteria provided, multiple submitters, no conflicts (2 of 4 stars). 3 submissions from 3 submitters: Likely benign (3). Last evaluated 2026-01-21.

Conditions:
Sulfite oxidase deficiency due to molybdenum cofactor deficiency type A. Also called: Molybdenum cofactor deficiency, complementation group A; Molybdenum Cofactor Deficiency A. Identifiers: Orphanet 308386, Orphanet 833, MedGen C1854988, MONDO:0009643, OMIM 252150.

Allele frequency attached by ClinVar (database versions not stated): TOPMed 0.00001; gnomAD 0.00014; gnomAD exomes 0.00020; ExAC 0.00043; 1000 Genomes Project 30x 0.00172; 1000 Genomes Project 0.00200.
gnomAD v4.1: 303 of 1,614,158 alleles (0.019%); highest among the groups gnomAD compares: South Asian, 0.32%; 6 homozygotes.

Submissions (3):

Labcorp Genetics (formerly Invitae), Labcorp
Classification: Likely benign for Sulfite oxidase deficiency due to molybdenum cofactor deficiency type A. Last evaluated: 2026-01-21. Review status: criteria provided, single submitter. Criteria: Invitae Variant Classification Sherloc (09022015). Collection method: clinical testing. Allele origin: germline.

CeGaT Center for Human Genetics Tuebingen
Classification: Likely benign. Last evaluated: 2024-11-01. Review status: criteria provided, single submitter. Criteria: CeGaT Center For Human Genetics Tuebingen Variant Classification Criteria Version 2. Collection method: clinical testing. Allele origin: germline. Affected: yes. Observed: 1 variant allele.
Comment: MOCS1: BS2

Blueprint Genetics
Classification: Likely benign. Last evaluated: 2024-10-04. Review status: criteria provided, single submitter. Criteria: ACMG Guidelines, 2015. Collection method: clinical testing. Allele origin: germline.

NM_001358530.2(MOCS1):c.1780C>G (p.Leu594Val)

Gene: MOCS1 (molybdenum cofactor synthesis 1; minus strand). Cytogenetic location: 6p21.2.
Variant type: single nucleotide variant.
Coding change: c.1780C>G on transcript NM_001358530.2 (MANE Select); coding-DNA position 1780, C replaced by G.
Protein change: p.Leu594Val; replaces leucine 594 with valine.
Molecular consequence: missense variant. On other transcripts: 3 prime UTR variant (4), non-coding transcript variant (1).
Genome position (GRCh38, 1-based): chr6:39,906,488, G>C on the plus strand (C>G on the coding strand, the complement: MOCS1 is on the minus strand). VCF-style: chr6-39906488-G-C. GRCh37 (hg19) VCF-style: chr6-39874264-G-C.
Other names: c.*637C>G (NM_001075098.4, NM_001358533.2, NM_001358534.2 and 1 more transcripts); c.1732C>G, p.Leu578Val (NM_001358529.2); c.1519C>G, p.Leu507Val (NM_001358531.2); short protein forms L507V, L594V, L578V.
Identifiers: ClinVar variation 1973511 (VCV001973511.20), dbSNP rs577245246, ClinGen allele CA3795891.